The following is an entry in ClinVar:

ClinVar aggregate classification (germline): Uncertain significance (1 of 4 stars; one submission).

Submission:

Labcorp Genetics (formerly Invitae), Labcorp
Classification: Uncertain significance. Last evaluated: 2024-04-17. Review status: criteria provided, single submitter. Criteria: Invitae Variant Classification Sherloc (09022015). Collection method: clinical testing. Allele origin: germline.
Comment: This sequence change replaces arginine, which is basic and polar, with leucine, which is neutral and non-polar, at codon 954 of the CACNA1B protein (p.Arg954Leu). This variant is not present in population databases (gnomAD no frequency). This variant has not been reported in the literature in individuals affected with CACNA1B-related conditions. ClinVar contains an entry for this variant (Variation ID: 1938533). Advanced modeling of protein sequence and biophysical properties (such as structural, functional, and spatial information, amino acid conservation, physicochemical variation, residue mobility, and thermodynamic stability) performed at Invitae indicates that this missense variant is not expected to disrupt CACNA1B protein function with a negative predictive value of 80%. In summary, the available evidence is currently insufficient to determine the role of this variant in disease. Therefore, it has been classified as a Variant of Uncertain Significance.

NM_000718.4(CACNA1B):c.2861G>T (p.Arg954Leu)

Gene: CACNA1B (calcium voltage-gated channel subunit alpha1 B; plus strand). Cytogenetic location: 9q34.3.
Variant type: single nucleotide variant.
Coding change: c.2861G>T on transcript NM_000718.4 (MANE Select); coding-DNA position 2861, G replaced by T.
Protein change: p.Arg954Leu; replaces arginine 954 with leucine.
Molecular consequence: missense variant.
Genome position (GRCh38, 1-based): chr9:138,023,604, G>T. VCF-style: chr9-138023604-G-T. GRCh37 (hg19) VCF-style: chr9-140918056-G-T.
Other names: c.2861G>T, p.Arg954Leu (NM_001243812.2); short protein forms R954L.
Identifiers: ClinVar variation 1938533 (VCV001938533.4), dbSNP rs1306846610, ClinGen allele CA375810295.